The following is an entry in ClinVar:

ClinVar aggregate classification (germline): Pathogenic (1 of 4 stars; one submission).

Conditions:
PHOX2B-related disorder. Also called: PHOX2B-related condition.

Submission:

PreventionGenetics, part of Exact Sciences
Classification: Pathogenic for PHOX2B-related condition. Last evaluated: 2023-05-09. Review status: criteria provided, single submitter. Criteria: ACMG Guidelines, 2015. Collection method: clinical testing. Allele origin: germline.
Comment: The PHOX2B c.684dupG variant is predicted to result in a frameshift and premature protein termination (p.Pro229Alafs*131). **NOTE VARIANT RESULTS IN PROTEIN EXTENSION, NOT TRUNCATION** This variant was reported in an individual with central hypoventilation syndrome (Mei et al. 2021. PubMed ID: 34012823). This variant has not been reported in a large population database, indicating this variant is rare. Frameshift variants in PHOX2B are expected to be pathogenic. This variant is interpreted as pathogenic.

NM_003924.4(PHOX2B):c.684dup (p.Pro229fs)

Gene: PHOX2B (paired like homeobox 2B; minus strand). Cytogenetic location: 4p13.
Variant type: Duplication.
Coding change: c.684dup on transcript NM_003924.4 (MANE Select); coding-DNA position 684, one base duplicated (G; older notation c.684dupG).
Protein change: p.Pro229fs; shifts the reading frame from proline 229.
Molecular consequence: frameshift variant.
Genome position (GRCh38, 1-based): chr4:41,746,068, C duplicated on the plus strand (G on the coding strand, the reverse complement: PHOX2B is on the minus strand); the first of 4 consecutive C bases (chr4:41,746,068-41,746,071); duplicating any one gives the same sequence. VCF-style (leftmost placement, unchanged base first): chr4-41746067-G-GC. GRCh37 (hg19) VCF-style: chr4-41748084-G-GC.
Other names: c.684dupG (NM_003924.3); short protein forms P229fs.
Identifiers: ClinVar variation 2633086 (VCV002633086.1), dbSNP rs2552096835, ClinGen allele CA2586973809.